The following is an entry in ClinVar:

NM_000051.4(ATM):c.6140T>A (p.Val2047Glu)

Genes: ATM (ATM serine/threonine kinase; plus strand), C11orf65 (chromosome 11 open reading frame 65; minus strand). Cytogenetic location: 11q22.3.
Variant type: single nucleotide variant.
Coding change: c.6140T>A on transcript NM_000051.4 (MANE Select); coding-DNA position 6140, T replaced by A.
Protein change: p.Val2047Glu; replaces valine 2047 with glutamic acid.
Molecular consequence: missense variant. On other transcripts: intron variant (2).
Genome position (GRCh38, 1-based): chr11:108,316,055, T>A. VCF-style: chr11-108316055-T-A. GRCh37 (hg19) VCF-style: chr11-108186782-T-A.
Other names: c.6140T>A, p.Val2047Glu (NM_001351834.2); c.641-6984A>T (NM_001330368.2); c.*39-6984A>T (NM_001351110.2); short protein forms V2047E.
Identifiers: ClinVar variation 826202 (VCV000826202.6), dbSNP rs878853528, ClinGen allele CA382550523.

ClinVar aggregate classification (germline): Uncertain significance (1 of 4 stars; one submission).

Conditions:
Hereditary cancer-predisposing syndrome. Also called: Tumor predisposition; Neoplastic Syndromes, Hereditary; Hereditary Cancer Syndrome; Hereditary neoplastic syndrome. Identifiers: Orphanet 140162, MedGen C0027672, MeSH D009386, MONDO:0015356.

Submission:

Ambry Genetics
Classification: Uncertain significance for Hereditary cancer-predisposing syndrome. Last evaluated: 2018-03-17. Review status: criteria provided, single submitter. Criteria: Ambry Variant Classification Scheme 2023. Collection method: clinical testing. Allele origin: germline.
Comment: The p.V2047E variant (also known as c.6140T>A), located in coding exon 41 of the ATM gene, results from a T to A substitution at nucleotide position 6140. The valine at codon 2047 is replaced by glutamic acid, an amino acid with dissimilar properties. This amino acid position is well conserved through mammals but not in all available vertebrate species. In addition, this alteration is predicted to be tolerated by in silico analysis. Since supporting evidence is limited at this time, the clinical significance of this alteration remains unclear.